The following is an entry in ClinVar:

ClinVar aggregate classification (germline): Uncertain significance (1 of 4 stars; one submission).

Allele frequency attached by ClinVar (database versions not stated): gnomAD 0.00001; gnomAD exomes 0.00001; TOPMed 0.00001; ExAC 0.00002.
gnomAD v4.1: 8 of 1,611,668 alleles (0.0005%); highest among the groups gnomAD compares: East Asian, 0.0045%; no homozygotes.

Submission:

Labcorp Genetics (formerly Invitae), Labcorp
Classification: Uncertain significance. Last evaluated: 2022-08-07. Review status: criteria provided, single submitter. Criteria: Invitae Variant Classification Sherloc (09022015). Collection method: clinical testing. Allele origin: germline.
Comment: This sequence change replaces proline, which is neutral and non-polar, with leucine, which is neutral and non-polar, at codon 86 of the PITRM1 protein (p.Pro86Leu). This variant is present in population databases (rs771682578, gnomAD 0.01%). In summary, the available evidence is currently insufficient to determine the role of this variant in disease. Therefore, it has been classified as a Variant of Uncertain Significance. Algorithms developed to predict the effect of missense changes on protein structure and function are either unavailable or do not agree on the potential impact of this missense change (SIFT: "Deleterious"; PolyPhen-2: "Probably Damaging"; Align-GVGD: "Class C0"). This variant has not been reported in the literature in individuals affected with PITRM1-related conditions.

NM_014889.4(PITRM1):c.353C>T (p.Pro118Leu)

Gene: PITRM1 (pitrilysin metallopeptidase 1; minus strand). Cytogenetic location: 10p15.2.
Variant type: single nucleotide variant.
Coding change: c.353C>T on transcript NM_014889.4 (MANE Select); coding-DNA position 353, C replaced by T.
Protein change: p.Pro118Leu; replaces proline 118 with leucine.
Molecular consequence: missense variant. On other transcripts: 5 prime UTR variant (3), non-coding transcript variant (4).
Genome position (GRCh38, 1-based): chr10:3,166,294, G>A on the plus strand (C>T on the coding strand, the complement: PITRM1 is on the minus strand). VCF-style: chr10-3166294-G-A. GRCh37 (hg19) VCF-style: chr10-3208486-G-A.
Other names: c.353C>T, p.Pro118Leu (NM_001242307.2, NM_001347725.2); c.257C>T, p.Pro86Leu (NM_001242309.1); c.-219C>T (NM_001347726.2, NM_001347727.2); c.-948C>T (NM_001347728.2); c.329C>T, p.Pro110Leu (NM_001347729.1, NM_001347730.1); short protein forms P118L, P110L, P86L.
Identifiers: ClinVar variation 1916056 (VCV001916056.5), dbSNP rs771682578, ClinGen allele CA5388232.